The following is an entry in ClinVar:

NM_000443.4(ABCB4):c.3224A>T (p.Lys1075Met)

Gene: ABCB4 (ATP binding cassette subfamily B member 4; minus strand). Cytogenetic location: 7q21.12.
Variant type: single nucleotide variant.
Coding change: c.3224A>T on transcript NM_000443.4 (MANE Select); coding-DNA position 3224, A replaced by T.
Protein change: p.Lys1075Met; replaces lysine 1075 with methionine.
Molecular consequence: missense variant.
Genome position (GRCh38, 1-based): chr7:87,408,092, T>A on the plus strand (A>T on the coding strand, the complement: ABCB4 is on the minus strand). VCF-style: chr7-87408092-T-A. GRCh37 (hg19) VCF-style: chr7-87037408-T-A.
Other names: c.3224A>T, p.Lys1075Met (NM_018849.3); c.3083A>T, p.Lys1028Met (NM_018850.3); short protein forms K1028M, K1075M.
Identifiers: ClinVar variation 812977 (VCV000812977.3), dbSNP rs1187517509, ClinGen allele CA368059072.

ClinVar aggregate classification (germline): Likely pathogenic. Review status: criteria provided, single submitter (1 of 4 stars). 2 submissions from 2 submitters: Likely pathogenic (1). 1 of the submissions does not count toward it. Last evaluated 2026-04-14.

Conditions:
Familial intrahepatic cholestasis. Identifiers: Orphanet 284385, MedGen CN296401, MONDO:0017290.
Cholestasis, intrahepatic, of pregnancy, 3. Identifiers: Orphanet 69665, MedGen C3554241, MONDO:0013995, OMIM 614972.

Allele frequency attached by ClinVar (database versions not stated): gnomAD exomes below 0.00001.
gnomAD v4.1: 6 of 1,614,230 alleles (0.00037%); highest among the groups gnomAD compares: Non-Finnish European, 0.00051%; no homozygotes.

Submissions (2):

Genomenon, Inc
Classification: Likely pathogenic for Familial intrahepatic cholestasis. Last evaluated: 2026-04-14. Review status: criteria provided, single submitter. Criteria: Genomenon Sequence Variant Interpretation Standards - Updated. Collection method: curation. Allele origin: germline. Affected: yes.
Comment: ABCB4 p.Lys1075Met (c.3224A>T) is a missense variant that changes the amino acid at residue 1075 from Lysine to Methionine. This variant has been observed in at least one proband with an ABCB4-related disorder (PMID:32581362). At least one functional study has demonstrated a substantial alteration in protein function relative to the wild-type (PMID:36674751;31176036;17523162). It is absent or not present at a significant frequency in gnomAD. In silico models predict that this variant is possibly or probably damaging. In conclusion, we classify ABCB4 p.Lys1075Met (c.3224A>T) as a likely pathogenic variant.

NIHR Bioresource Rare Diseases, University of Cambridge
Classification: Likely pathogenic for Cholestasis, intrahepatic, of pregnancy, 3. Review status: no assertion criteria provided. Collection method: research. Allele origin: unknown. Affected: yes. Observed: 1 variant allele. Not counted in ClinVar's aggregate classification.

Literature cited by the submitters: PubMed 32581362 (cited by Genomenon, Inc and NIHR Bioresource Rare Diseases, University of Cambridge); PubMed 36674751 (cited by Genomenon, Inc); PubMed 31176036 (cited by Genomenon, Inc); PubMed 17523162 (cited by Genomenon, Inc).